The following is an entry in ClinVar:

NM_004793.4(LONP1):c.429+2235A>G

Gene: LONP1 (lon peptidase 1, mitochondrial; minus strand). Cytogenetic location: 19p13.3.
Variant type: single nucleotide variant.
Coding change: c.429+2235A>G on transcript NM_004793.4 (MANE Select); 2235 bases into the intron after coding-DNA position 429, A replaced by G.
Molecular consequence: intron variant.
Genome position (GRCh38, 1-based): chr19:5,717,469, T>C on the plus strand (A>G on the coding strand, the complement: LONP1 is on the minus strand). VCF-style: chr19-5717469-T-C. GRCh37 (hg19) VCF-style: chr19-5717480-T-C.
Other names: c.-160+2750A>G (NM_001276480.1); c.237+2235A>G (NM_001276479.2).
Identifiers: ClinVar variation 4530649 (VCV004530649.1).

ClinVar aggregate classification (germline): Uncertain significance (0 of 4 stars; one submission).

Conditions:
CODAS syndrome. Also called: CEREBRAL, OCULAR, DENTAL, AURICULAR, AND SKELETAL ANOMALIES SYNDROME. Identifiers: Orphanet 1458, MedGen C1838180, MONDO:0010879, OMIM 600373.

Submission:

Diagnostics Centre, Carl Von Ossietzky University Oldenburg
Classification: Uncertain significance for CODAS syndrome. Last evaluated: 2025-03-25. Review status: no assertion criteria provided. Collection method: clinical testing. Allele origin: germline. Affected: yes. Observed: 1 variant allele.
Comment: The variant LONP1:c.429+2235A>G p.? is located deep intronic in intron 1 of the LONP1 gene. In silico tools predict a severe deleterious effect on the splice product (Splice AI = 0.52). The variant has not yet been described in Clinvar or any publications known to us. The variant has not yet been described in ClinVar or any other scientific publication known to us. The variant is classified as very rare since it is absent in gnomAD v4.1.0. In summary, this variant is classified as a variant of unclear significance.